The following is an entry in ClinVar:

ClinVar aggregate classification (germline): Pathogenic/Likely pathogenic. Review status: criteria provided, multiple submitters, no conflicts (2 of 4 stars). 2 submissions from 2 submitters: Pathogenic (1); Likely pathogenic (1). Last evaluated 2020-02-11.

Conditions:
Alstrom syndrome (ALMS). Identifiers: Orphanet 64, MedGen C0268425, MONDO:0008763, OMIM 203800.

gnomAD v4.1: 1 of 1,613,668 alleles (0.000062%); highest among the groups gnomAD compares: Non-Finnish European, 0.000085%; no homozygotes.

Submissions (2):

Labcorp Genetics (formerly Invitae), Labcorp
Classification: Pathogenic for Alstrom syndrome. Last evaluated: 2020-02-11. Review status: criteria provided, single submitter. Criteria: Invitae Variant Classification Sherloc (09022015). Collection method: clinical testing. Allele origin: germline.
Comment: For these reasons, this variant has been classified as Pathogenic. Loss-of-function variants in ALMS1 are known to be pathogenic (PMID: 17594715). This variant has not been reported in the literature in individuals with ALMS1-related disease. ClinVar contains an entry for this variant (Variation ID: 529398). This variant is not present in population databases (ExAC no frequency). This sequence change creates a premature translational stop signal (p.Gln1734*) in the ALMS1 gene. It is expected to result in an absent or disrupted protein product.

GeneDx
Classification: Likely pathogenic. Last evaluated: 2018-06-14. Review status: criteria provided, single submitter. Criteria: GeneDx Variant Classification (06012015). Collection method: clinical testing. Allele origin: germline. Affected: yes.
Comment: The Q1734X likely pathogenic variant in the ALMS1 gene has not been published as pathogenic or reported as benign to our knowledge. Q1734X is predicted to cause loss of normal protein function either by protein truncation or nonsense-mediated mRNA decay. Other nonsense variants in the ALMS1 gene have been reported in Human Gene Mutation Database in association with Alstrom syndrome (Stenson et al., 2014). Furthermore, the Q1734X variant is not observed in large population cohorts (Lek et al., 2016).

Literature cited by the submitters: PubMed 17594715 (cited by Labcorp Genetics (formerly Invitae), Labcorp).

NM_001378454.1(ALMS1):c.5197C>T (p.Gln1733Ter)

Gene: ALMS1 (ALMS1 centrosome and basal body associated protein; plus strand). Cytogenetic location: 2p13.1.
Variant type: single nucleotide variant.
Coding change: c.5197C>T on transcript NM_001378454.1 (MANE Select); coding-DNA position 5197, C replaced by T.
Protein change: p.Gln1733Ter; replaces glutamine 1733 with a stop codon.
Molecular consequence: nonsense.
Genome position (GRCh38, 1-based): chr2:73,451,724, C>T. VCF-style: chr2-73451724-C-T. GRCh37 (hg19) VCF-style: chr2-73678851-C-T.
Other names: c.5200C>T, p.Gln1734Ter (NM_015120.4); short protein forms Q1734*, Q1733*.
Identifiers: ClinVar variation 529398 (VCV000529398.8), dbSNP rs750136202, ClinGen allele CA347280343.
Genomic context (GRCh38, chr2:73,451,724, plus strand): 5'-TCATATAGAGAGAAGCCCATTGTCTTCTACCAACAGGCCCTGCCAGACAGTGAGCTAACT[C>T]AAGAAGCTCTGAAAGTTTCAGCTGTTCCTCAACCAGCTGACCAGAAGACTGGGTTATCTA-3'